The following is an entry in ClinVar:

ClinVar aggregate classification (germline): Uncertain significance (1 of 4 stars; one submission).

Submission:

Ambry Genetics
Classification: Uncertain significance. Last evaluated: 2025-07-28. Review status: criteria provided, single submitter. Criteria: Ambry Variant Classification Scheme 2023. Collection method: clinical testing. Allele origin: germline.
Comment: The p.D463E variant (also known as c.1389T>A), located in coding exon 11 of the RECQL gene, results from a T to A substitution at nucleotide position 1389. The aspartic acid at codon 463 is replaced by glutamic acid, an amino acid with highly similar properties. This amino acid position is conserved. In addition, the in silico prediction for this alteration is inconclusive. Based on the available evidence, the clinical significance of this variant remains unclear.

NM_002907.4(RECQL):c.1389T>A (p.Asp463Glu)

Gene: RECQL (RecQ like helicase; minus strand). Cytogenetic location: 12p12.1.
Variant type: single nucleotide variant.
Coding change: c.1389T>A on transcript NM_002907.4 (MANE Select); coding-DNA position 1389, T replaced by A.
Protein change: p.Asp463Glu; replaces aspartic acid 463 with glutamic acid.
Molecular consequence: missense variant.
Genome position (GRCh38, 1-based): chr12:21,473,609, A>T on the plus strand (T>A on the coding strand, the complement: RECQL is on the minus strand). VCF-style: chr12-21473609-A-T. GRCh37 (hg19) VCF-style: chr12-21626543-A-T.
Other names: c.1389T>A, p.Asp463Glu (NM_032941.3); short protein forms D463E.
Identifiers: ClinVar variation 4152316 (VCV004152316.1).